The following is an entry in ClinVar:

ClinVar aggregate classification (germline): Uncertain significance. Review status: criteria provided, multiple submitters, no conflicts (2 of 4 stars). 2 submissions from 2 submitters: Uncertain significance (2). Last evaluated 2024-07-09.

Conditions:
Inborn genetic diseases. Identifiers: MedGen C0950123, MeSH D030342.

Allele frequency attached by ClinVar (database versions not stated): gnomAD exomes below 0.00001 and 0.00001; ExAC 0.00001; gnomAD 0.00002; TOPMed 0.00002.
gnomAD v4.1: 10 of 1,606,638 alleles (0.00062%); highest among the groups gnomAD compares: South Asian, 0.0055%; no homozygotes.

Submissions (2):

Ambry Genetics
Classification: Uncertain significance for Inborn genetic diseases. Last evaluated: 2024-07-09. Review status: criteria provided, single submitter. Criteria: Ambry Variant Classification Scheme 2023. Collection method: clinical testing. Allele origin: germline.

Labcorp Genetics (formerly Invitae), Labcorp
Classification: Uncertain significance. Last evaluated: 2021-12-08. Review status: criteria provided, single submitter. Criteria: Invitae Variant Classification Sherloc (09022015). Collection method: clinical testing. Allele origin: germline.
Comment: In summary, the available evidence is currently insufficient to determine the role of this variant in disease. Therefore, it has been classified as a Variant of Uncertain Significance. Algorithms developed to predict the effect of missense changes on protein structure and function are either unavailable or do not agree on the potential impact of this missense change (SIFT: "Deleterious"; PolyPhen-2: "Not Available"; Align-GVGD: "Class C0"). This variant has not been reported in the literature in individuals affected with ATP5A1-related conditions. The frequency data for this variant in the population databases is considered unreliable, as metrics indicate poor data quality at this position in the gnomAD database. This sequence change replaces alanine, which is neutral and non-polar, with valine, which is neutral and non-polar, at codon 8 of the ATP5A1 protein (p.Ala8Val).

NM_004046.6(ATP5F1A):c.23C>T (p.Ala8Val)

Genes: ATP5F1A (ATP synthase F1 subunit alpha; minus strand), LOC126862738 (BRD4-independent group 4 enhancer GRCh37_chr18:43677662-43678861; plus strand). Cytogenetic location: 18q21.1.
Variant type: single nucleotide variant.
Coding change: c.23C>T on transcript NM_004046.6 (MANE Select); coding-DNA position 23, C replaced by T.
Protein change: p.Ala8Val; replaces alanine 8 with valine.
Molecular consequence: missense variant. On other transcripts: 5 prime UTR variant (2).
Genome position (GRCh38, 1-based): chr18:46,098,209, G>A on the plus strand (C>T on the coding strand, the complement: ATP5F1A is on the minus strand). VCF-style: chr18-46098209-G-A. GRCh37 (hg19) VCF-style: chr18-43678175-G-A.
Other names: c.-201C>T (NM_001001935.3); c.23C>T, p.Ala8Val (NM_001001937.2, NM_001257334.2); c.-464C>T (NM_001257335.2); c.23C>T (NM_001001937.1); short protein forms A8V.
Identifiers: ClinVar variation 1682748 (VCV001682748.7), dbSNP rs756837306, ClinGen allele CA8951002.
Genomic context (GRCh38, chr18:46,098,209, plus strand): 5'-TCATGCCGGCCTTCGGTGCTCACCAGTCCGGCCCGCCGAGGAAGGGCGCGGACCACGGCC[G>A]CAGCAACGCGCACGGACAGCATCTTTGCAGTTACTCCGCAGGCGGTACTTCTGCAGCCGC-3'
Protein context (NP_004037.1, residues 1-18): MLSVRVA[Ala8Val]AVVRALPRRA